The following is an entry in ClinVar:

NM_001113378.2(FANCI):c.2593C>T (p.Gln865Ter)

Gene: FANCI (FA complementation group I; plus strand). Cytogenetic location: 15q26.1.
Variant type: single nucleotide variant.
Coding change: c.2593C>T on transcript NM_001113378.2 (MANE Select); coding-DNA position 2593, C replaced by T.
Protein change: p.Gln865Ter; replaces glutamine 865 with a stop codon.
Molecular consequence: nonsense. On other transcripts: intron variant (1).
Genome position (GRCh38, 1-based): chr15:89,295,051, C>T. VCF-style: chr15-89295051-C-T. GRCh37 (hg19) VCF-style: chr15-89838282-C-T.
Other names: c.2314C>T, p.Gln772Ter (NM_001376910.1); c.2593C>T, p.Gln865Ter (NM_001376911.1); c.2456+1054C>T (NM_018193.3); short protein forms Q772*, Q865*.
Identifiers: ClinVar variation 2797012 (VCV002797012.3), dbSNP rs2507513309, ClinGen allele CA393751034.
Genomic context (GRCh38, chr15:89,295,051, plus strand): 5'-GTAGCTCTGCAGAAAGTACAGCAGCTAAAGGAAACAGGGCATGTGAGTGGCCCTGATGGC[C>T]AAAACCCAGAAAAGATCTTTCAGAACCTCTGTGACATAACTCGGTAAGCCACTCCCACCC-3'

ClinVar aggregate classification (germline): Pathogenic (1 of 4 stars; one submission).

Conditions:
Fanconi anemia (FA). Also called: Fanconi's anemia. Identifiers: Orphanet 84, MedGen C0015625, MeSH D005199, MONDO:0019391.

Allele frequency attached by ClinVar (database versions not stated): gnomAD exomes below 0.00001.
gnomAD v4.1: 1 of 1,551,964 alleles (0.000064%); highest among the groups gnomAD compares: Non-Finnish European, 0.000087%; no homozygotes.

Submission:

Labcorp Genetics (formerly Invitae), Labcorp
Classification: Pathogenic for Fanconi anemia. Last evaluated: 2023-01-19. Review status: criteria provided, single submitter. Criteria: Invitae Variant Classification Sherloc (09022015). Collection method: clinical testing. Allele origin: germline.
Comment: For these reasons, this variant has been classified as Pathogenic. This variant has not been reported in the literature in individuals affected with FANCI-related conditions. This variant is not present in population databases (gnomAD no frequency). This sequence change creates a premature translational stop signal (p.Gln865*) in the FANCI gene. It is expected to result in an absent or disrupted protein product. Loss-of-function variants in FANCI are known to be pathogenic (PMID: 17452773, 17460694).

Literature cited by the submitters: PubMed 17452773; PubMed 17460694.